The following is an entry in ClinVar:

ClinVar aggregate classification (germline): Conflicting classifications of pathogenicity. Review status: criteria provided, conflicting classifications (1 of 4 stars). 9 submissions from 9 submitters: Uncertain significance (8); Likely benign (1). Last evaluated 2026-01-28.

Conditions:
Autosomal recessive limb-girdle muscular dystrophy. Identifiers: Orphanet 102015, MedGen C2931907, MONDO:0015152.
Inborn genetic diseases. Identifiers: MedGen C0950123, MeSH D030342.
Neuromuscular disease caused by qualitative or quantitative defects of dysferlin. Also called: Dysferlinopathy; Qualitative or quantitative defects of dysferlin. Identifiers: Orphanet 207073, MedGen C2931687, MONDO:0016145.

Allele frequency attached by ClinVar (database versions not stated): ESP Exome Variant Server 0.00015; 1000 Genomes Project 30x 0.00016; gnomAD 0.00016; TOPMed 0.00017; gnomAD exomes 0.00019; 1000 Genomes Project 0.00020; ExAC 0.00026.
gnomAD v4.1: 243 of 1,614,158 alleles (0.015%); highest among the groups gnomAD compares: African/African-American, 0.028%; no homozygotes.

Submissions (9):

Labcorp Genetics (formerly Invitae), Labcorp
Classification: Likely benign for Neuromuscular disease caused by qualitative or quantitative defects of dysferlin. Last evaluated: 2026-01-28. Review status: criteria provided, single submitter. Criteria: Invitae Variant Classification Sherloc (09022015). Collection method: clinical testing. Allele origin: germline.

Myriad Genetics, Inc.
Classification: Uncertain significance for Autosomal recessive limb-girdle muscular dystrophy. Last evaluated: 2025-07-25. Review status: criteria provided, single submitter. Criteria: Myriad Autosomal Dominant, Autosomal Recessive and X-Linked Classification Criteria (2023). Collection method: clinical testing. Allele origin: unknown.
Comment: NM_003494.3(DYSF):c.2050C>T(R684W) is a missense variant classified as a variant of uncertain significance in the context of dysferlinopathy. R684W has been observed in a case with relevant disease (PMID: 39678382). Relevant functional assessments of this variant are not available in the literature. R684W has been observed in referenced population frequency databases. In summary, there is insufficient evidence to classify NM_003494.3(DYSF):c.2050C>T(R684W) as pathogenic or benign. Please note: this variant was assessed in the context of healthy population screening.

Athena Diagnostics
Classification: Uncertain significance. Last evaluated: 2024-08-01. Review status: criteria provided, single submitter. Criteria: Athena Diagnostics Criteria. Collection method: clinical testing. Allele origin: unknown.
Comment: Available data are insufficient to determine the clinical significance of the variant at this time. The frequency of this variant in the general population is uninformative in assessment of its pathogenicity. Polyphen and MutationTaster yielded discordant predictions regarding whether this amino acid change is damaging to the protein.

Blueprint Genetics
Classification: Uncertain significance. Last evaluated: 2024-08-01. Review status: criteria provided, single submitter. Criteria: ACMG Guidelines, 2015. Collection method: clinical testing. Allele origin: germline.

CeGaT Center for Human Genetics Tuebingen
Classification: Uncertain significance. Last evaluated: 2022-05-01. Review status: criteria provided, single submitter. Criteria: CeGaT Center For Human Genetics Tuebingen Variant Classification Criteria Version 2. Collection method: clinical testing. Allele origin: germline. Affected: yes. Observed: 2 variant alleles.
Comment: DYSF: PM2

Ambry Genetics
Classification: Uncertain significance for Inborn genetic diseases. Last evaluated: 2021-08-13. Review status: criteria provided, single submitter. Criteria: Ambry Variant Classification Scheme 2023. Collection method: clinical testing. Allele origin: germline.

Revvity Omics, Revvity
Classification: Uncertain significance. Last evaluated: 2020-07-14. Review status: criteria provided, single submitter. Criteria: ACMG Guidelines, 2015. Collection method: clinical testing. Allele origin: germline.

Genetic Services Laboratory, University of Chicago
Classification: Uncertain significance. Last evaluated: 2020-04-29. Review status: criteria provided, single submitter. Criteria: ACMG Guidelines, 2015. Collection method: clinical testing. Allele origin: germline. Affected: no.
Comment: DNA sequence analysis of the DYSF gene demonstrated a sequence change, c.2050C>T, in exon 21 that results in an amino acid change, p.Arg684Trp. This sequence change does not appear to have been previously described in patients with DYSF-related disorders and has been described in the gnomAD database with a low population frequency of 0.034% in the non-Finnish subpopulations (dbSNP rs148652047). The p.Arg684Trp change affects a moderately conserved amino acid residue located in a domain of the DYSF protein that is not known to be functional. In-silico pathogenicity prediction tools (SIFT, PolyPhen2, Align GVGD, REVEL) provide contradictory results for the p.Arg684Trp substitution. Due to these contrasting evidences and the lack of functional studies, the clinical significance of the p.Arg684Trp change remains unknown at this time.

Eurofins Ntd Llc (ga)
Classification: Uncertain significance. Last evaluated: 2017-04-06. Review status: criteria provided, single submitter. Criteria: EGL Classification Definitions 2015. Collection method: clinical testing. Allele origin: germline. Observed: 2 variant alleles, 2 heterozygotes.

Literature cited by the submitters: PubMed 39678382 (cited by Myriad Genetics, Inc.).

NM_001130987.2(DYSF):c.2104C>T (p.Arg702Trp)

Gene: DYSF (dysferlin; plus strand). Cytogenetic location: 2p13.2.
Variant type: single nucleotide variant.
Coding change: c.2104C>T on transcript NM_001130987.2 (MANE Select); coding-DNA position 2104, C replaced by T.
Protein change: p.Arg702Trp; replaces arginine 702 with tryptophan.
Molecular consequence: missense variant.
Genome position (GRCh38, 1-based): chr2:71,553,926, C>T. VCF-style: chr2-71553926-C-T. GRCh37 (hg19) VCF-style: chr2-71781056-C-T.
Other names: c.2101C>T, p.Arg701Trp (NM_001130980.2, NM_001130981.2); c.2146C>T, p.Arg716Trp (NM_001130982.2); c.2053C>T, p.Arg685Trp (NM_001130983.2, NM_001130455.2); c.2011C>T, p.Arg671Trp (NM_001130984.2, NM_001130986.2); c.2104C>T, p.Arg702Trp (NM_001130985.2); c.2050C>T, p.Arg684Trp (NM_003494.4, NM_001130978.2); c.2008C>T, p.Arg670Trp (NM_001130976.2, NM_001130977.2); c.2143C>T, p.Arg715Trp (NM_001130979.2); short protein forms R702W, R684W, R671W, R716W, R670W, R685W, R701W, R715W.
Identifiers: ClinVar variation 286177 (VCV000286177.65), dbSNP rs148652047, ClinGen allele CA1706039.
Genomic context (GRCh38, chr2:71,553,926, plus strand): 5'-TACTGGGAGGACATCAGCCATAGAATCGAGACTCAGAACCAGCTGCTTGGGATTGCTGAC[C>T]GGCTGGTGAGTGAAAACTTGCCCAAAGCTGCACATGCCTATGCATGCACCTGCTACCCCC-3'
Protein context (NP_001124459.1, residues 692-712): TQNQLLGIAD[Arg702Trp]LEAGLEQVHL